The following is an entry in ClinVar:

ClinVar aggregate classification (germline): Uncertain significance (1 of 4 stars; one submission).

Submission:

GeneDx
Classification: Uncertain significance. Last evaluated: 2022-08-11. Review status: criteria provided, single submitter. Criteria: GeneDx Variant Classification Process June 2021. Collection method: clinical testing. Allele origin: germline. Affected: yes.
Comment: Not observed at significant frequency in large population cohorts (gnomAD); In silico analysis supports that this missense variant does not alter protein structure/function; Has not been previously published as pathogenic or benign to our knowledge

NM_015488.5(PNKD):c.91A>G (p.Asn31Asp)

Gene: PNKD (PNKD metallo-beta-lactamase domain containing; plus strand). Cytogenetic location: 2q35.
Variant type: single nucleotide variant.
Coding change: c.91A>G on transcript NM_015488.5 (MANE Select); coding-DNA position 91, A replaced by G.
Protein change: p.Asn31Asp; replaces asparagine 31 with aspartic acid.
Molecular consequence: missense variant.
Genome position (GRCh38, 1-based): chr2:218,271,404, A>G. VCF-style: chr2-218271404-A-G. GRCh37 (hg19) VCF-style: chr2-219136127-A-G.
Other names: c.91A>G, p.Asn31Asp (NM_001077399.3); short protein forms N31D.
Identifiers: ClinVar variation 2430765 (VCV002430765.1), dbSNP rs1439620304, ClinGen allele CA350544544.